The following is an entry in ClinVar:

ClinVar aggregate classification (germline): Uncertain significance. Review status: criteria provided, multiple submitters, no conflicts (2 of 4 stars). 2 submissions from 2 submitters: Uncertain significance (2). Last evaluated 2024-01-04.

Conditions:
Inborn genetic diseases. Identifiers: MedGen C0950123, MeSH D030342.

Allele frequency attached by ClinVar (database versions not stated): gnomAD 0.00003; TOPMed 0.00012.

Submissions (2):

Ambry Genetics
Classification: Uncertain significance for Inborn genetic diseases. Last evaluated: 2024-01-04. Review status: criteria provided, single submitter. Criteria: Ambry Variant Classification Scheme 2023. Collection method: clinical testing. Allele origin: germline.

GeneDx
Classification: Uncertain significance. Last evaluated: 2022-10-24. Review status: criteria provided, single submitter. Criteria: GeneDx Variant Classification Process June 2021. Collection method: clinical testing. Allele origin: germline. Affected: yes.
Comment: In silico analysis supports that this missense variant does not alter protein structure/function; Has not been previously published as pathogenic or benign to our knowledge; Variants in candidate genes are classified as variants of uncertain significance in accordance with ACMG guidelines (Richards et al., 2015)

NM_018149.7(SMG8):c.1155C>G (p.His385Gln)

Gene: SMG8 (SMG8 nonsense mediated mRNA decay factor; plus strand). Cytogenetic location: 17q22.
Variant type: single nucleotide variant.
Coding change: c.1155C>G on transcript NM_018149.7 (MANE Select); coding-DNA position 1155, C replaced by G.
Protein change: p.His385Gln; replaces histidine 385 with glutamine.
Molecular consequence: missense variant.
Genome position (GRCh38, 1-based): chr17:59,211,206, C>G. VCF-style: chr17-59211206-C-G. GRCh37 (hg19) VCF-style: chr17-57288567-C-G.
Other names: short protein forms H385Q.
Identifiers: ClinVar variation 3166542 (VCV003166542.2), dbSNP rs1009945043, ClinGen allele CA292091428.